The following is an entry in ClinVar:

NM_000642.3(AGL):c.4586T>G (p.Leu1529Arg)

Gene: AGL (amylo-alpha-1,6-glucosidase and 4-alpha-glucanotransferase; plus strand). Cytogenetic location: 1p21.2.
Variant type: single nucleotide variant.
Coding change: c.4586T>G on transcript NM_000642.3 (MANE Select); coding-DNA position 4586, T replaced by G.
Protein change: p.Leu1529Arg; replaces leucine 1529 with arginine.
Molecular consequence: missense variant.
Genome position (GRCh38, 1-based): chr1:99,921,638, T>G. VCF-style: chr1-99921638-T-G. GRCh37 (hg19) VCF-style: chr1-100387194-T-G.
Other names: c.4385T>G, p.Leu1462Arg (NM_001425327.1); c.4586T>G, p.Leu1529Arg (NM_000644.3, NM_001425325.1, NM_000028.3 and 1 more transcripts); c.4208T>G, p.Leu1403Arg (NM_001425332.1); c.4538T>G, p.Leu1513Arg (NM_000646.3); c.4565T>G, p.Leu1522Arg (NM_001425326.1); c.4382T>G, p.Leu1461Arg (NM_001425328.1); c.4247T>G, p.Leu1416Arg (NM_001425329.1); short protein forms L1529R, L1513R, L1403R, L1416R, L1461R, L1462R, L1522R.
Identifiers: ClinVar variation 2049431 (VCV002049431.4), dbSNP rs2523918025, ClinGen allele CA341344040.
Genomic context (GRCh38, chr1:99,921,638, plus strand): 5'-AGTACTGTCCTTTCAGCTGTGAAACACAAGCCTGGTCAATTGCTACTATTCTTGAGACAC[T>G]TTATGATTTATAGTTTATTACAGATATTAAGTATGCAATTACTTGTATTATAGGATGCAA-3'
Protein context (NP_000633.2, residues 1519-1532): AWSIATILET[Leu1529Arg]YDL

ClinVar aggregate classification (germline): Uncertain significance (1 of 4 stars; one submission).

Conditions:
Glycogen storage disease type III (GSD3). Also called: Cori disease; FORBES DISEASE. Identifiers: Orphanet 366, MedGen C0017922, MONDO:0009291, OMIM 232400.

Submission:

Labcorp Genetics (formerly Invitae), Labcorp
Classification: Uncertain significance for Glycogen storage disease type III. Last evaluated: 2021-12-19. Review status: criteria provided, single submitter. Criteria: Invitae Variant Classification Sherloc (09022015). Collection method: clinical testing. Allele origin: germline.
Comment: In summary, the available evidence is currently insufficient to determine the role of this variant in disease. Therefore, it has been classified as a Variant of Uncertain Significance. Algorithms developed to predict the effect of missense changes on protein structure and function are either unavailable or do not agree on the potential impact of this missense change (SIFT: "Tolerated"; PolyPhen-2: "Possibly Damaging"; Align-GVGD: "Class C0"). This variant has not been reported in the literature in individuals affected with AGL-related conditions. This variant is not present in population databases (gnomAD no frequency). This sequence change replaces leucine, which is neutral and non-polar, with arginine, which is basic and polar, at codon 1529 of the AGL protein (p.Leu1529Arg).